The following is an entry in ClinVar:

ClinVar aggregate classification (germline): Uncertain significance (1 of 4 stars; one submission).

Conditions:
Hypoplastic left heart syndrome. Also called: Hypoplastic left heart; Hypoplastic left ventricle. Identifiers: Orphanet 2248, MedGen C0152101, MONDO:0004933, HP:0004383.

Submission:

Labcorp Genetics (formerly Invitae), Labcorp
Classification: Uncertain significance for Hypoplastic left heart syndrome. Last evaluated: 2025-07-08. Review status: criteria provided, single submitter. Criteria: Invitae Variant Classification Sherloc (09022015). Collection method: clinical testing. Allele origin: germline.
Comment: This sequence change replaces serine, which is neutral and polar, with glycine, which is neutral and non-polar, at codon 141 of the HAND1 protein (p.Ser141Gly). This variant is not present in population databases (gnomAD no frequency). This variant has not been reported in the literature in individuals affected with HAND1-related conditions. An algorithm developed to predict the effect of missense changes on protein structure and function (PolyPhen-2) suggests that this variant is likely to be disruptive. In summary, the available evidence is currently insufficient to determine the role of this variant in disease. Therefore, it has been classified as a Variant of Uncertain Significance.

NM_004821.3(HAND1):c.421A>G (p.Ser141Gly)

Gene: HAND1 (heart and neural crest derivatives expressed 1; minus strand). Cytogenetic location: 5q33.2.
Variant type: single nucleotide variant.
Coding change: c.421A>G on transcript NM_004821.3 (MANE Select); coding-DNA position 421, A replaced by G.
Protein change: p.Ser141Gly; replaces serine 141 with glycine.
Molecular consequence: missense variant.
Genome position (GRCh38, 1-based): chr5:154,477,588, T>C on the plus strand (A>G on the coding strand, the complement: HAND1 is on the minus strand). VCF-style: chr5-154477588-T-C. GRCh37 (hg19) VCF-style: chr5-153857148-T-C.
Other names: short protein forms S141G.
Identifiers: ClinVar variation 4722769 (VCV004722769.1).